The following is an entry in ClinVar:

ClinVar aggregate classification (germline): Likely benign (1 of 4 stars; one submission).

Conditions:
Congenital disorder of glycosylation (CDG). Also called: Carbohydrate-deficient glycoprotein syndrome; Congenital disorders of glycosylation. Identifiers: Orphanet 137, MedGen C0282577, MONDO:0015286.

Allele frequency attached by ClinVar (database versions not stated): gnomAD 0.00004 and 0.00070; TOPMed 0.00009; 1000 Genomes Project 30x 0.00500; 1000 Genomes Project 0.00619.

Submission:

Illumina Laboratory Services, Illumina
Classification: Likely benign for Congenital disorder of glycosylation. Last evaluated: 2018-01-12. Review status: criteria provided, single submitter. Criteria: ICSL Variant Classification Criteria 13 December 2019. Collection method: clinical testing. Allele origin: germline.
Comment: This variant was observed in the ICSL laboratory as part of a predisposition screen in an ostensibly healthy population. It had not been previously curated by ICSL or reported in the Human Gene Mutation Database (HGMD: prior to June 1st, 2018), and was therefore a candidate for classification through an automated scoring system. Utilizing variant allele frequency, disease prevalence and penetrance estimates, and inheritance mode, an automated score was calculated to assess if this variant is too frequent to cause the disease. Based on the score and internal cut-off values, a variant classified as likely benign is not then subjected to further curation. The score for this variant resulted in a classification of likely benign for this disease.

NM_006765.4(TUSC3):c.*2304C>G

Gene: TUSC3 (tumor suppressor candidate 3; plus strand). Cytogenetic location: 8p22.
Variant type: single nucleotide variant.
Coding change: c.*2304C>G on transcript NM_006765.4 (MANE Select); 2304 bases downstream of the stop codon, C replaced by G.
Molecular consequence: 3 prime UTR variant.
Genome position (GRCh38, 1-based): chr8:15,766,460, C>G. VCF-style: chr8-15766460-C-G. GRCh37 (hg19) VCF-style: chr8-15623969-C-G.
Other names: c.*2242C>G (NM_178234.2).
Identifiers: ClinVar variation 909202 (VCV000909202.4), dbSNP rs533878815, ClinGen allele CA172843178.